The following is an entry in ClinVar:

ClinVar aggregate classification (germline): Uncertain significance (1 of 4 stars; one submission).

Conditions:
Deficiency of isobutyryl-CoA dehydrogenase. Also called: ACYL-CoA DEHYDROGENASE FAMILY, MEMBER 8, DEFICIENCY OF; ACAD8 DEFICIENCY; IBD DEFICIENCY. Identifiers: Orphanet 79159, MedGen C1969809, MONDO:0012648, OMIM 611283.

Allele frequency attached by ClinVar (database versions not stated): ExAC 0.00006; gnomAD exomes 0.00006; gnomAD 0.00007; ESP Exome Variant Server 0.00008; TOPMed 0.00011.
gnomAD v4.1: 93 of 1,614,020 alleles (0.0058%); highest among the groups gnomAD compares: Admixed American, 0.01%; no homozygotes.

Submission:

Labcorp Genetics (formerly Invitae), Labcorp
Classification: Uncertain significance for Deficiency of isobutyryl-CoA dehydrogenase. Last evaluated: 2024-10-03. Review status: criteria provided, single submitter. Criteria: Invitae Variant Classification Sherloc (09022015). Collection method: clinical testing. Allele origin: germline.
Comment: This sequence change replaces alanine, which is neutral and non-polar, with valine, which is neutral and non-polar, at codon 329 of the ACAD8 protein (p.Ala329Val). This variant is present in population databases (rs372521286, gnomAD 0.009%). This variant has not been reported in the literature in individuals affected with ACAD8-related conditions. ClinVar contains an entry for this variant (Variation ID: 1982853). Invitae Evidence Modeling of protein sequence and biophysical properties (such as structural, functional, and spatial information, amino acid conservation, physicochemical variation, residue mobility, and thermodynamic stability) has been performed for this missense variant. However, the output from this modeling did not meet the statistical confidence thresholds required to predict the impact of this variant on ACAD8 protein function. In summary, the available evidence is currently insufficient to determine the role of this variant in disease. Therefore, it has been classified as a Variant of Uncertain Significance.

NM_014384.3(ACAD8):c.986C>T (p.Ala329Val)

Gene: ACAD8 (acyl-CoA dehydrogenase family member 8; plus strand). Cytogenetic location: 11q25.
Variant type: single nucleotide variant.
Coding change: c.986C>T on transcript NM_014384.3 (MANE Select); coding-DNA position 986, C replaced by T.
Protein change: p.Ala329Val; replaces alanine 329 with valine.
Molecular consequence: missense variant.
Genome position (GRCh38, 1-based): chr11:134,261,784, C>T. VCF-style: chr11-134261784-C-T. GRCh37 (hg19) VCF-style: chr11-134131678-C-T.
Other names: short protein forms A329V.
Identifiers: ClinVar variation 1982853 (VCV001982853.3), dbSNP rs372521286, ClinGen allele CA6373188.